The following is an entry in ClinVar:

NM_024757.5(EHMT1):c.680C>T (p.Ala227Val)

Gene: EHMT1 (euchromatic histone lysine methyltransferase 1; plus strand). Cytogenetic location: 9q34.3.
Variant type: single nucleotide variant.
Coding change: c.680C>T on transcript NM_024757.5 (MANE Select); coding-DNA position 680, C replaced by T.
Protein change: p.Ala227Val; replaces alanine 227 with valine.
Molecular consequence: missense variant.
Genome position (GRCh38, 1-based): chr9:137,728,386, C>T. VCF-style: chr9-137728386-C-T. GRCh37 (hg19) VCF-style: chr9-140622838-C-T.
Other names: c.680C>T, p.Ala227Val (NM_001145527.2, NM_001354263.2, NM_001354611.2); c.587C>T, p.Ala196Val (NM_001354259.2, NM_001354612.2); short protein forms A196V, A227V.
Identifiers: ClinVar variation 935014 (VCV000935014.10), dbSNP rs541099226, ClinGen allele CA375771773.
Genomic context (GRCh38, chr9:137,728,386, plus strand): 5'-TATTCACTGTCTTTGTTTTGAAGCATGCAGCCAGTAAAGATCCCAGAGAAGTTCGAGAAG[C>T]TAGAGATCATAAGGAACCAAAAGAGGAGATCAACAAAAACATTTCTGACTTTGGACGACA-3'
Protein context (NP_079033.4, residues 217-237): ASKDPREVRE[Ala227Val]RDHKEPKEEI

ClinVar aggregate classification (germline): Uncertain significance (1 of 4 stars; one submission).

Conditions:
Kleefstra syndrome 1 (KLEFS1). Identifiers: Orphanet 261494, MedGen C0795833, MONDO:0027407, OMIM 610253.

Allele frequency attached by ClinVar (database versions not stated): gnomAD 0.00001; TOPMed 0.00003.
gnomAD v4.1: 2 of 1,614,078 alleles (0.00012%); highest among the groups gnomAD compares: African/African-American, 0.0027%; no homozygotes.

Submission:

Labcorp Genetics (formerly Invitae), Labcorp
Classification: Uncertain significance for Kleefstra syndrome 1. Last evaluated: 2022-06-04. Review status: criteria provided, single submitter. Criteria: Invitae Variant Classification Sherloc (09022015). Collection method: clinical testing. Allele origin: germline.
Comment: This sequence change replaces alanine, which is neutral and non-polar, with valine, which is neutral and non-polar, at codon 227 of the EHMT1 protein (p.Ala227Val). This variant is not present in population databases (gnomAD no frequency). This variant has not been reported in the literature in individuals affected with EHMT1-related conditions. ClinVar contains an entry for this variant (Variation ID: 935014). Algorithms developed to predict the effect of missense changes on protein structure and function output the following: SIFT: "Deleterious"; PolyPhen-2: "Benign"; Align-GVGD: "Class C0". The valine amino acid residue is found in multiple mammalian species, which suggests that this missense change does not adversely affect protein function. In summary, the available evidence is currently insufficient to determine the role of this variant in disease. Therefore, it has been classified as a Variant of Uncertain Significance.